The following is an entry in ClinVar:

ClinVar aggregate classification (germline): Likely benign. Review status: criteria provided, multiple submitters, no conflicts (2 of 4 stars). 3 submissions from 3 submitters: Likely benign (3). Last evaluated 2026-06-28.

Conditions:
Hereditary pheochromocytoma and paraganglioma. Also called: Hereditary paragangliomas and pheochromocytomas; Hereditary Paraganglioma-Pheochromocytoma Syndromes; Hereditary pheochromocytoma-paraganglioma. Identifiers: Orphanet 29072, MedGen C4274332, MONDO:0017366.
Hereditary cancer-predisposing syndrome. Also called: Tumor predisposition; Hereditary Cancer Syndrome; Neoplastic Syndromes, Hereditary; Hereditary neoplastic syndrome. Identifiers: Orphanet 140162, MedGen C0027672, MeSH D009386, MONDO:0015356.
Gastrointestinal stromal tumor. Also called: Gastrointestinal stromal tumor, somatic; Gastrointestinal stroma tumor. Identifiers: Orphanet 44890, MedGen C0238198, MeSH D046152, MONDO:0011719, OMIM 606764, HP:0100723.
Pheochromocytoma/paraganglioma syndrome 4. Also called: CAROTID BODY TUMORS AND MULTIPLE EXTRAADRENAL PHEOCHROMOCYTOMAS; PARAGANGLIOMA, FAMILIAL MALIGNANT; PARAGANGLIOMAS, HEREDITARY EXTRAADRENAL; PHEOCHROMOCYTOMA, FAMILIAL EXTRAADRENAL; Paragangliomas 4; SDHB-Related Hereditary Paraganglioma-Pheochromocytoma Syndrome (Paragangliomas 4). Identifiers: Orphanet 29072, MedGen C1861848, MONDO:0007273, OMIM 115310.
Pheochromocytoma. Also called: MAX-Related Hereditary Paraganglioma-Pheochromocytoma Syndrome. Identifiers: Orphanet 29072, MedGen C0031511, MONDO:0008233, OMIM 171300, HP:0002666.

Allele frequency attached by ClinVar (database versions not stated): ExAC 0.00002; gnomAD exomes below 0.00001.
gnomAD v4.1: 2 of 1,613,910 alleles (0.00012%); highest among the groups gnomAD compares: Admixed American, 0.0017%; no homozygotes.

Submissions (3):

Ambry Genetics
Classification: Likely benign for Hereditary cancer-predisposing syndrome. Last evaluated: 2026-06-28. Review status: criteria provided, single submitter. Criteria: Ambry Variant Classification Scheme 2023. Collection method: clinical testing. Allele origin: germline.

Labcorp Genetics (formerly Invitae), Labcorp
Classification: Likely benign for Gastrointestinal stromal tumor; Pheochromocytoma/paraganglioma syndrome 4; Pheochromocytoma. Last evaluated: 2026-01-28. Review status: criteria provided, single submitter. Criteria: Invitae Variant Classification Sherloc (09022015). Collection method: clinical testing. Allele origin: germline.

All of Us Research Program, National Institutes of Health
Classification: Likely benign for Hereditary pheochromocytoma and paraganglioma. Last evaluated: 2024-02-05. Review status: criteria provided, single submitter. Criteria: ACMG Guidelines, 2015. Collection method: clinical testing. Allele origin: germline. Inheritance: Autosomal dominant inheritance. Observed: 1 variant allele, 1 heterozygote.
Comment: This study involves interpretation of variants in research participants for the purpose of population health screening. Participant phenotype was not available at the time of variant classification. Additional details can be found in publication PMID: 35346344, PMCID: PMC8962531

NM_003000.3(SDHB):c.288C>T (p.Gly96=)

Gene: SDHB (succinate dehydrogenase complex iron sulfur subunit B; minus strand). Cytogenetic location: 1p36.13.
Variant type: single nucleotide variant.
Coding change: c.288C>T on transcript NM_003000.3 (MANE Select); coding-DNA position 288, C replaced by T.
Protein change: p.Gly96=; no amino-acid change (glycine 96 retained).
Molecular consequence: synonymous variant.
Genome position (GRCh38, 1-based): chr1:17,028,735, G>A on the plus strand (C>T on the coding strand, the complement: SDHB is on the minus strand). VCF-style: chr1-17028735-G-A. GRCh37 (hg19) VCF-style: chr1-17355230-G-A.
Other names: c.288C>T, p.Gly96= (NM_001407361.1).
Identifiers: ClinVar variation 3075391 (VCV003075391.3), dbSNP rs757123577, ClinGen allele CA089581.